The following is an entry in ClinVar:

ClinVar aggregate classification (germline): Likely benign. Review status: criteria provided, multiple submitters, no conflicts (2 of 4 stars). 5 submissions from 5 submitters: Likely benign (4). 1 of the submissions does not count toward it. Last evaluated 2026-03-01.

Conditions:
GSN-related disorder. Also called: GSN-related condition.
Finnish type amyloidosis. Also called: AMYLOIDOSIS, HEREDITARY SYSTEMIC 4, FINNISH TYPE; AMYLOID CRANIAL NEUROPATHY WITH LATTICE CORNEAL DYSTROPHY; AMYLOIDOSIS DUE TO MUTANT GELSOLIN; Lattice corneal dystrophy associated with familial systemic amyloidosis; Meretoja's syndrome; Lattice dystrophy of the cornea with hereditary generalized amyloidosis. Identifiers: Orphanet 85448, MedGen C1622345, MONDO:0007097, OMIM 105120.

Allele frequency attached by ClinVar (database versions not stated): gnomAD 0.00001 and 0.00002; TOPMed 0.00003; 1000 Genomes Project 0.00020; 1000 Genomes Project 30x 0.00031.
gnomAD v4.1: 71 of 1,614,104 alleles (0.0044%); highest among the groups gnomAD compares: Admixed American, 0.017%; no homozygotes.

Submissions (5):

CeGaT Center for Human Genetics Tuebingen
Classification: Likely benign. Last evaluated: 2026-03-01. Review status: criteria provided, single submitter. Criteria: CeGaT Center For Human Genetics Tuebingen Variant Classification Criteria Version 2. Collection method: clinical testing. Allele origin: germline. Affected: yes. Observed: 1 variant allele.
Comment: GSN: BP4, BP7

Labcorp Genetics (formerly Invitae), Labcorp
Classification: Likely benign. Last evaluated: 2025-03-07. Review status: criteria provided, single submitter. Criteria: Invitae Variant Classification Sherloc (09022015). Collection method: clinical testing. Allele origin: germline.

Blueprint Genetics
Classification: Likely benign. Last evaluated: 2024-04-23. Review status: criteria provided, single submitter. Criteria: ACMG Guidelines, 2015. Collection method: clinical testing. Allele origin: germline.

Fulgent Genetics
Classification: Likely benign for Finnish type amyloidosis. Last evaluated: 2022-03-30. Review status: criteria provided, single submitter. Criteria: ACMG Guidelines, 2015. Collection method: clinical testing. Allele origin: unknown.

PreventionGenetics, part of Exact Sciences
Classification: Likely benign for GSN-related condition. Last evaluated: 2019-04-08. Review status: no assertion criteria provided. Collection method: clinical testing. Allele origin: germline. Not counted in ClinVar's aggregate classification.
Comment: This variant is classified as likely benign based on ACMG/AMP sequence variant interpretation guidelines (Richards et al. 2015 PMID: 25741868, with internal and published modifications).

NM_198252.3(GSN):c.393C>T (p.Asn131=)

Gene: GSN (gelsolin; plus strand). Cytogenetic location: 9q33.2.
Variant type: single nucleotide variant.
Coding change: c.393C>T on transcript NM_198252.3 (MANE Select); coding-DNA position 393, C replaced by T.
Protein change: p.Asn131=; no amino-acid change (asparagine 131 retained).
Molecular consequence: synonymous variant. On other transcripts: 5 prime UTR variant (1).
Genome position (GRCh38, 1-based): chr9:121,310,725, C>T. VCF-style: chr9-121310725-C-T. GRCh37 (hg19) VCF-style: chr9-124073003-C-T.
Other names: c.546C>T, p.Asn182= (NM_000177.5); c.393C>T, p.Asn131= (NM_001127662.2, NM_001127664.2, NM_001127665.2 and 10 more transcripts); c.501C>T, p.Asn167= (NM_001127663.2); c.426C>T, p.Asn142= (NM_001127666.2, NM_001127667.2, NM_001353063.2 and 13 more transcripts); c.444C>T, p.Asn148= (NM_001258029.2); c.417C>T, p.Asn139= (NM_001258030.2); c.465C>T, p.Asn155= (NM_001353076.2); c.-262C>T (NM_001353078.2).
Identifiers: ClinVar variation 721925 (VCV000721925.17), dbSNP rs186654124, ClinGen allele CA5220877.